The following is an entry in ClinVar:

NM_003002.4(SDHD):c.464T>A (p.Met155Lys)

Gene: SDHD (succinate dehydrogenase complex subunit D; plus strand). Cytogenetic location: 11q23.1.
Variant type: single nucleotide variant.
Coding change: c.464T>A on transcript NM_003002.4 (MANE Select); coding-DNA position 464, T replaced by A.
Protein change: p.Met155Lys; replaces methionine 155 with lysine.
Molecular consequence: missense variant. On other transcripts: 3 prime UTR variant (2), non-coding transcript variant (1).
Genome position (GRCh38, 1-based): chr11:112,094,954, T>A. VCF-style: chr11-112094954-T-A. GRCh37 (hg19) VCF-style: chr11-111965678-T-A.
Other names: c.*61T>A (NM_001276503.2); c.347T>A, p.Met116Lys (NM_001276504.2); c.*162T>A (NM_001276506.2); short protein forms M155K, M116K.
Identifiers: ClinVar variation 412513 (VCV000412513.53), dbSNP rs1060503776, ClinGen allele CA16613468.

ClinVar aggregate classification (germline): Uncertain significance. Review status: criteria provided, multiple submitters, no conflicts (2 of 4 stars). 4 submissions from 4 submitters: Uncertain significance (4). Last evaluated 2025-12-26.

Conditions:
Paragangliomas with sensorineural hearing loss. Identifiers: MedGen C1868633.
Pheochromocytoma. Also called: MAX-Related Hereditary Paraganglioma-Pheochromocytoma Syndrome. Identifiers: Orphanet 29072, MedGen C0031511, MONDO:0008233, OMIM 171300, HP:0002666.
Cowden syndrome 3 (CWS3). Identifiers: Orphanet 201, MedGen CN166604, MONDO:0014045.
Carney-Stratakis syndrome. Also called: PARAGANGLIOMA AND GASTROINTESTINAL STROMAL TUMOR. Identifiers: Orphanet 97286, MedGen C1847319, MONDO:0011740, OMIM 606864.
Hereditary cancer-predisposing syndrome. Also called: Neoplastic Syndromes, Hereditary; Hereditary neoplastic syndrome; Tumor predisposition; Hereditary Cancer Syndrome. Identifiers: Orphanet 140162, MedGen C0027672, MeSH D009386, MONDO:0015356.
Hereditary pheochromocytoma and paraganglioma. Also called: Hereditary Paraganglioma-Pheochromocytoma Syndromes; Hereditary paragangliomas and pheochromocytomas; Hereditary pheochromocytoma-paraganglioma. Identifiers: Orphanet 29072, MedGen C4274332, MONDO:0017366.

Allele frequency attached by ClinVar (database versions not stated): TOPMed below 0.00001; gnomAD exomes 0.00001 and 0.00002.

Submissions (4):

Labcorp Genetics (formerly Invitae), Labcorp
Classification: Uncertain significance for Carney-Stratakis syndrome; Paragangliomas with sensorineural hearing loss; Pheochromocytoma; Cowden syndrome 3. Last evaluated: 2025-12-26. Review status: criteria provided, single submitter. Criteria: Invitae Variant Classification Sherloc (09022015). Collection method: clinical testing. Allele origin: germline.
Comment: This sequence change replaces methionine, which is neutral and non-polar, with lysine, which is basic and polar, at codon 155 of the SDHD protein (p.Met155Lys). This variant is present in population databases (no rsID available, gnomAD 0.01%). This variant has not been reported in the literature in individuals affected with SDHD-related conditions. ClinVar contains an entry for this variant (Variation ID: 412513). Invitae Evidence Modeling of protein sequence and biophysical properties (such as structural, functional, and spatial information, amino acid conservation, physicochemical variation, residue mobility, and thermodynamic stability) indicates that this missense variant is not expected to disrupt SDHD protein function with a negative predictive value of 80%. In summary, the available evidence is currently insufficient to determine the role of this variant in disease. Therefore, it has been classified as a Variant of Uncertain Significance.

Quest Diagnostics Nichols Institute San Juan Capistrano
Classification: Uncertain significance. Last evaluated: 2025-10-14. Review status: criteria provided, single submitter. Criteria: Quest Diagnostics criteria. Collection method: clinical testing. Allele origin: unknown.
Comment: The SDHD c.464T>A (p.Met155Lys) variant has not been reported in individuals with SDHD-related conditions in the published literature. The frequency of this variant in the general population (Genome Aggregation Database) is higher than would generally be expected for pathogenic variants in this gene. Analysis of this variant using bioinformatics tools for the prediction of the effect of amino acid changes on protein structure and function yielded conflicting predictions that this variant is deleterious or benign. Based on the available information, we are unable to determine the clinical significance of this variant.

Ambry Genetics
Classification: Uncertain significance for Hereditary cancer-predisposing syndrome. Last evaluated: 2024-04-01. Review status: criteria provided, single submitter. Criteria: Ambry Variant Classification Scheme 2023. Collection method: clinical testing. Allele origin: germline.
Comment: The p.M155K variant (also known as c.464T>A), located in coding exon 4 of the SDHD gene, results from a T to A substitution at nucleotide position 464. The methionine at codon 155 is replaced by lysine, an amino acid with similar properties. This amino acid position is not well conserved in available vertebrate species. In addition, this alteration is predicted to be deleterious by in silico analysis. Since supporting evidence is limited at this time, the clinical significance of this alteration remains unclear.

All of Us Research Program, National Institutes of Health
Classification: Uncertain significance for Hereditary pheochromocytoma and paraganglioma. Last evaluated: 2023-10-06. Review status: criteria provided, single submitter. Criteria: ACMG Guidelines, 2015. Collection method: clinical testing. Allele origin: germline. Inheritance: Autosomal dominant inheritance. Observed: 1 variant allele, 1 heterozygote.
Comment: This missense variant replaces methionine with lysine at codon 155 of the SDHD protein. Computational prediction suggests that this variant may have deleterious impact on protein structure and function (internally defined REVEL score threshold >= 0.7, PMID: 27666373). To our knowledge, functional studies have not been reported for this variant. This variant has not been reported in individuals affected with SDHD-related disorders in the literature. This variant has been identified in 6/247882 chromosomes in the general population by the Genome Aggregation Database (gnomAD). The available evidence is insufficient to determine the role of this variant in disease conclusively. Therefore, this variant is classified as a Variant of Uncertain Significance.

This study involves interpretation of variants in research participants for the purpose of population health screening. Participant phenotype was not available at the time of variant classification. Additional details can be found in publication PMID: 35346344, PMCID: PMC8962531